The following is an entry in ClinVar:

ClinVar aggregate classification (germline): Uncertain significance (1 of 4 stars; one submission).

Conditions:
DICER1-related tumor predisposition. Also called: DICER1 syndrome; DICER1-related pleuropulmonary blastoma cancer predisposition syndrome. Identifiers: Orphanet 284343, MedGen C3839822, MONDO:0100216.

Submission:

Labcorp Genetics (formerly Invitae), Labcorp
Classification: Uncertain significance for DICER1-related tumor predisposition. Last evaluated: 2019-12-23. Review status: criteria provided, single submitter. Criteria: Invitae Variant Classification Sherloc (09022015). Collection method: clinical testing. Allele origin: germline.
Comment: In summary, the available evidence is currently insufficient to determine the role of this variant in disease. Therefore, it has been classified as a Variant of Uncertain Significance. Algorithms developed to predict the effect of missense changes on protein structure and function are either unavailable or do not agree on the potential impact of this missense change (SIFT: "Tolerated"; PolyPhen-2: "Probably Damaging"; Align-GVGD: "Class C0"). This variant has not been reported in the literature in individuals with DICER1-related conditions. This variant is not present in population databases (ExAC no frequency). This sequence change replaces histidine with arginine at codon 633 of the DICER1 protein (p.His633Arg). The histidine residue is highly conserved and there is a small physicochemical difference between histidine and arginine.

NM_177438.3(DICER1):c.1898A>G (p.His633Arg)

Gene: DICER1 (dicer 1, ribonuclease III; minus strand). Cytogenetic location: 14q32.13.
Variant type: single nucleotide variant.
Coding change: c.1898A>G on transcript NM_177438.3 (MANE Select); coding-DNA position 1898, A replaced by G.
Protein change: p.His633Arg; replaces histidine 633 with arginine.
Molecular consequence: missense variant.
Genome position (GRCh38, 1-based): chr14:95,115,676, T>C on the plus strand (A>G on the coding strand, the complement: DICER1 is on the minus strand). VCF-style: chr14-95115676-T-C. GRCh37 (hg19) VCF-style: chr14-95582013-T-C.
Other names: c.1898A>G, p.His633Arg (NM_001195573.1, NM_001271282.3, NM_001291628.2 and 1 more transcripts); short protein forms H633R.
Identifiers: ClinVar variation 856909 (VCV000856909.11), dbSNP rs763129150, ClinGen allele CA390883897.